The following is an entry in ClinVar:

ClinVar aggregate classification (germline): Conflicting classifications of pathogenicity. Review status: criteria provided, conflicting classifications (1 of 4 stars). 4 submissions from 4 submitters: Uncertain significance (3); Likely benign (1). Last evaluated 2025-07-18.

Conditions:
Hereditary cancer-predisposing syndrome. Also called: Neoplastic Syndromes, Hereditary; Hereditary Cancer Syndrome; Hereditary neoplastic syndrome; Tumor predisposition. Identifiers: Orphanet 140162, MedGen C0027672, MeSH D009386, MONDO:0015356.
Multiple endocrine neoplasia, type 1 (MEN1). Also called: MEA I; MEN I; WERMER SYNDROME; Endocrine adenomatosis multiple; MEN 1. Identifiers: Orphanet 652, MedGen C0025267, MeSH D018761, MONDO:0007540, OMIM 131100.

Allele frequency attached by ClinVar (database versions not stated): gnomAD exomes below 0.00001; ExAC 0.00001; gnomAD 0.00001; TOPMed 0.00001.

Submissions (4):

Color Diagnostics, LLC DBA Color Health
Classification: Uncertain significance for Multiple endocrine neoplasia, type 1. Last evaluated: 2025-07-18. Review status: criteria provided, single submitter. Criteria: ACMG Guidelines, 2015. Collection method: clinical testing. Allele origin: germline.
Comment: This missense variant replaces proline with alanine at codon 498 of the MEN1 protein. Computational prediction suggests that this variant may not impact protein structure and function. To our knowledge, functional studies have not been reported for this variant. This variant has not been reported in individuals affected with MEN1-related disorders in the literature. This variant has been identified in 1/214522 chromosomes in the general population by the Genome Aggregation Database (gnomAD). The available evidence is insufficient to determine the role of this variant in disease conclusively. Therefore, this variant is classified as a Variant of Uncertain Significance.

Ambry Genetics
Classification: Uncertain significance for Hereditary cancer-predisposing syndrome. Last evaluated: 2025-04-04. Review status: criteria provided, single submitter. Criteria: Ambry Variant Classification Scheme 2023. Collection method: clinical testing. Allele origin: germline.
Comment: The p.P498A variant (also known as c.1492C>G), located in coding exon 9 of the MEN1 gene, results from a C to G substitution at nucleotide position 1492. The proline at codon 498 is replaced by alanine, an amino acid with highly similar properties. This amino acid position is conserved. In addition, the in silico prediction for this alteration is inconclusive. Since supporting evidence is limited at this time, the clinical significance of this alteration remains unclear.

Labcorp Genetics (formerly Invitae), Labcorp
Classification: Likely benign for Multiple endocrine neoplasia, type 1. Last evaluated: 2025-01-13. Review status: criteria provided, single submitter. Criteria: Invitae Variant Classification Sherloc (09022015). Collection method: clinical testing. Allele origin: germline.

All of Us Research Program, National Institutes of Health
Classification: Uncertain significance for Multiple endocrine neoplasia, type 1. Last evaluated: 2023-04-27. Review status: criteria provided, single submitter. Criteria: ACMG Guidelines, 2015. Collection method: clinical testing. Allele origin: germline. Inheritance: Autosomal dominant inheritance. Observed: 1 variant allele, 1 heterozygote.
Comment: This study involves interpretation of variants in research participants for the purpose of population health screening. Participant phenotype was not available at the time of variant classification. Additional details can be found in publication PMID: 35346344, PMCID: PMC8962531

NM_001370259.2(MEN1):c.1492C>G (p.Pro498Ala)

Gene: MEN1 (menin 1; minus strand). Cytogenetic location: 11q13.1.
Variant type: single nucleotide variant.
Coding change: c.1492C>G on transcript NM_001370259.2 (MANE Select); coding-DNA position 1492, C replaced by G.
Protein change: p.Pro498Ala; replaces proline 498 with alanine.
Molecular consequence: missense variant.
Genome position (GRCh38, 1-based): chr11:64,804,675, G>C on the plus strand (C>G on the coding strand, the complement: MEN1 is on the minus strand). VCF-style: chr11-64804675-G-C. GRCh37 (hg19) VCF-style: chr11-64572147-G-C.
Other names: c.1507C>G, p.Pro503Ala (NM_000244.4, NM_130800.3, NM_130801.3 and 3 more transcripts); c.1618C>G, p.Pro540Ala (NM_001370251.2); c.1492C>G, p.Pro498Ala (NM_001370260.2, NM_001370261.2, NM_130799.3); c.1387C>G, p.Pro463Ala (NM_001370262.2, NM_001370263.2); short protein forms P503A, P540A, P463A, P498A.
Identifiers: ClinVar variation 640883 (VCV000640883.13), dbSNP rs771842369, ClinGen allele CA060692.
Genomic context (GRCh38, chr11:64,804,675, plus strand): 5'-GCTTCCGGGGGGGTCCTGACACTGCACCCTGGCCGGTGCCCAGGCCCTTGTCCAGTGCTG[G>C]CTTCTTGGGCGGCGGGGGCTCCTCTGGCTTGGACTCCCGCCGTGGGCCCCGCCGCCGGCC-3'
Protein context (NP_001357188.2, residues 488-508): KPEEPPPPKK[Pro498Ala]ALDKGLGTGQ